The following is an entry in ClinVar:

NM_000143.4(FH):c.218T>C (p.Val73Ala)

Gene: FH (fumarate hydratase; minus strand). Cytogenetic location: 1q43.
Variant type: single nucleotide variant.
Coding change: c.218T>C on transcript NM_000143.4 (MANE Select); coding-DNA position 218, T replaced by C.
Protein change: p.Val73Ala; replaces valine 73 with alanine.
Molecular consequence: missense variant.
Genome position (GRCh38, 1-based): chr1:241,517,231, A>G on the plus strand (T>C on the coding strand, the complement: FH is on the minus strand). VCF-style: chr1-241517231-A-G. GRCh37 (hg19) VCF-style: chr1-241680531-A-G.
Other names: short protein forms V73A.
Identifiers: ClinVar variation 3625904 (VCV003625904.3).

ClinVar aggregate classification (germline): Uncertain significance. Review status: criteria provided, multiple submitters, no conflicts (2 of 4 stars). 2 submissions from 2 submitters: Uncertain significance (2). Last evaluated 2026-04-13.

Conditions:
Hereditary cancer-predisposing syndrome. Also called: Hereditary neoplastic syndrome; Tumor predisposition; Hereditary Cancer Syndrome; Neoplastic Syndromes, Hereditary. Identifiers: Orphanet 140162, MedGen C0027672, MeSH D009386, MONDO:0015356.

gnomAD v4.1: 9 of 1,610,482 alleles (0.00056%); highest among the groups gnomAD compares: Non-Finnish European, 0.00076%; no homozygotes.

Submissions (2):

Ambry Genetics
Classification: Uncertain significance for Hereditary cancer-predisposing syndrome. Last evaluated: 2026-04-13. Review status: criteria provided, single submitter. Criteria: Ambry Variant Classification Scheme 2023. Collection method: clinical testing. Allele origin: germline.
Comment: The p.V73A variant (also known as c.218T>C), located in coding exon 2 of the FH gene, results from a T to C substitution at nucleotide position 218. The valine at codon 73 is replaced by alanine, an amino acid with similar properties. This amino acid position is conserved. In addition, this alteration is predicted to be deleterious by in silico analysis. Based on the available evidence, the clinical significance of this variant remains unclear.

Labcorp Genetics (formerly Invitae), Labcorp
Classification: Uncertain significance. Last evaluated: 2024-12-28. Review status: criteria provided, single submitter. Criteria: Invitae Variant Classification Sherloc (09022015). Collection method: clinical testing. Allele origin: germline.
Comment: This sequence change replaces valine, which is neutral and non-polar, with alanine, which is neutral and non-polar, at codon 73 of the FH protein (p.Val73Ala). This variant is not present in population databases (gnomAD no frequency). This variant has not been reported in the literature in individuals affected with FH-related conditions. Invitae Evidence Modeling of protein sequence and biophysical properties (such as structural, functional, and spatial information, amino acid conservation, physicochemical variation, residue mobility, and thermodynamic stability) indicates that this missense variant is not expected to disrupt FH protein function with a negative predictive value of 95%. In summary, the available evidence is currently insufficient to determine the role of this variant in disease. Therefore, it has been classified as a Variant of Uncertain Significance.